The following is an entry in ClinVar:

NM_182961.4(SYNE1):c.4981G>A (p.Glu1661Lys)

Gene: SYNE1 (spectrin repeat containing nuclear envelope protein 1; minus strand). Cytogenetic location: 6q25.2.
Variant type: single nucleotide variant.
Coding change: c.4981G>A on transcript NM_182961.4 (MANE Select); coding-DNA position 4981, G replaced by A.
Protein change: p.Glu1661Lys; replaces glutamic acid 1661 with lysine.
Molecular consequence: missense variant.
Genome position (GRCh38, 1-based): chr6:152,427,812, C>T on the plus strand (G>A on the coding strand, the complement: SYNE1 is on the minus strand). VCF-style: chr6-152427812-C-T. GRCh37 (hg19) VCF-style: chr6-152748947-C-T.
Other names: c.5002G>A, p.Glu1668Lys (NM_033071.5); short protein forms E1661K, E1668K.
Identifiers: ClinVar variation 1437132 (VCV001437132.8), dbSNP rs2154197911, ClinGen allele CA366139782.
Genomic context (GRCh38, chr6:152,427,812, plus strand): 5'-GGGAACTGGCTTTAGCTTCACCCCGCTCTAACCAGGTCAAAAAGGATGATAGTTCTTTCT[C>T]TAGCCTAAAGGAAGCAGAGAGCAGAAACAAATTTATTGAAAATTATCATGCTAGCAGATT-3'
Protein context (NP_892006.3, residues 1651-1671): ENLLAHWQRL[Glu1661Lys]KELSSFLTWL

ClinVar aggregate classification (germline): Uncertain significance (1 of 4 stars; one submission).

Conditions:
Emery-Dreifuss muscular dystrophy 4, autosomal dominant (EDMD4). Also called: EMERY-DREIFUSS MUSCULAR DYSTROPHY 4 WITH VARIABLE FEATURES. Identifiers: Orphanet 261, MedGen C2751807, MONDO:0013071, OMIM 612998.
Autosomal recessive ataxia, Beauce type. Also called: Spinocerebellar ataxia, autosomal recessive 8; ATAXIA, RECESSIVE, OF BEAUCE; SYNE1 Deficiency; SYNE1-Related Autosomal Recessive Cerebellar Ataxia. Identifiers: Orphanet 88644, MedGen C1853116, MONDO:0012549, OMIM 610743.

Submission:

Labcorp Genetics (formerly Invitae), Labcorp
Classification: Uncertain significance for Emery-Dreifuss muscular dystrophy 4, autosomal dominant; Autosomal recessive ataxia, Beauce type. Last evaluated: 2020-11-11. Review status: criteria provided, single submitter. Criteria: Invitae Variant Classification Sherloc (09022015). Collection method: clinical testing. Allele origin: germline.
Comment: In summary, the available evidence is currently insufficient to determine the role of this variant in disease. Therefore, it has been classified as a Variant of Uncertain Significance. Algorithms developed to predict the effect of missense changes on protein structure and function are either unavailable or do not agree on the potential impact of this missense change (SIFT: "Deleterious"; PolyPhen-2: "Possibly Damaging"; Align-GVGD: "Class C0"). This variant has not been reported in the literature in individuals with SYNE1-related conditions. This variant is not present in population databases (ExAC no frequency). This sequence change replaces glutamic acid with lysine at codon 1668 of the SYNE1 protein (p.Glu1668Lys). The glutamic acid residue is highly conserved and there is a small physicochemical difference between glutamic acid and lysine.